The following is an entry in ClinVar:

ClinVar aggregate classification (germline): Likely pathogenic (1 of 4 stars; one submission).

Submission:

Labcorp Genetics (formerly Invitae), Labcorp
Classification: Likely pathogenic. Last evaluated: 2019-09-07. Review status: criteria provided, single submitter. Criteria: Invitae Variant Classification Sherloc (09022015). Collection method: clinical testing. Allele origin: germline.
Comment: In summary, the currently available evidence indicates that the variant is pathogenic, but additional data are needed to prove that conclusively. Therefore, this variant has been classified as Likely Pathogenic. Experimental studies and prediction algorithms are not available or were not evaluated for this variant, and the functional significance of this variant is currently unknown. This variant has been observed to segregate with hypophosphatemia in a family (Invitae). This variant is an in-frame deletion of the genomic region encompassing exons 6-7 of the PHEX gene. It preserves the integrity of the reading frame.

NC_000023.11:g.(?_22090429)_(22094099_?)del

Gene: PHEX (phosphate regulating endopeptidase X-linked; plus strand). Cytogenetic location: Xp22.11.
Variant type: Deletion.
Identifiers: ClinVar variation 831642 (VCV000831642.7).